The following is an entry in ClinVar:

ClinVar aggregate classification (germline): Uncertain significance (1 of 4 stars; one submission).

Conditions:
Ataxia-telangiectasia syndrome (AT). Also called: AT, COMPLEMENTATION GROUP C; ATAXIA-TELANGIECTASIA, COMPLEMENTATION GROUP A; ATAXIA-TELANGIECTASIA, FRESNO VARIANT; Ataxia-telangiectasia; Ataxia-telangiectasia, complementation group D; Ataxia-telangiectasia, complementation group E. Identifiers: Orphanet 100, MedGen C0004135, MONDO:0008840, OMIM 208900.

Submission:

Labcorp Genetics (formerly Invitae), Labcorp
Classification: Uncertain significance for Ataxia-telangiectasia syndrome. Last evaluated: 2023-12-13. Review status: criteria provided, single submitter. Criteria: Invitae Variant Classification Sherloc (09022015). Collection method: clinical testing. Allele origin: germline.
Comment: This sequence change replaces glycine, which is neutral and non-polar, with valine, which is neutral and non-polar, at codon 1130 of the ATM protein (p.Gly1130Val). This variant is not present in population databases (gnomAD no frequency). This variant has not been reported in the literature in individuals affected with ATM-related conditions. An algorithm developed to predict the effect of missense changes on protein structure and function (PolyPhen-2) suggests that this variant is likely to be tolerated. In summary, the available evidence is currently insufficient to determine the role of this variant in disease. Therefore, it has been classified as a Variant of Uncertain Significance.

NM_000051.4(ATM):c.3389G>T (p.Gly1130Val)

Gene: ATM (ATM serine/threonine kinase; plus strand). Cytogenetic location: 11q22.3.
Variant type: single nucleotide variant.
Coding change: c.3389G>T on transcript NM_000051.4 (MANE Select); coding-DNA position 3389, G replaced by T.
Protein change: p.Gly1130Val; replaces glycine 1130 with valine.
Molecular consequence: missense variant.
Genome position (GRCh38, 1-based): chr11:108,279,595, G>T. VCF-style: chr11-108279595-G-T. GRCh37 (hg19) VCF-style: chr11-108150322-G-T.
Other names: c.3389G>T, p.Gly1130Val (NM_001351834.2); short protein forms G1130V.
Identifiers: ClinVar variation 2966187 (VCV002966187.3), dbSNP rs1060501544, ClinGen allele CA382517816.